The following is an entry in ClinVar:

NM_001851.6(COL9A1):c.1394C>T (p.Pro465Leu)

Gene: COL9A1 (collagen type IX alpha 1 chain; minus strand). Cytogenetic location: 6q13.
Variant type: single nucleotide variant.
Coding change: c.1394C>T on transcript NM_001851.6 (MANE Select); coding-DNA position 1394, C replaced by T.
Protein change: p.Pro465Leu; replaces proline 465 with leucine.
Molecular consequence: missense variant. On other transcripts: non-coding transcript variant (1).
Genome position (GRCh38, 1-based): chr6:70,263,245, G>A on the plus strand (C>T on the coding strand, the complement: COL9A1 is on the minus strand). VCF-style: chr6-70263245-G-A. GRCh37 (hg19) VCF-style: chr6-70972948-G-A.
Other names: c.665C>T, p.Pro222Leu (NM_001377289.1, NM_001377290.1, NM_078485.4); short protein forms P465L, P222L.
Identifiers: ClinVar variation 1504063 (VCV001504063.6), dbSNP rs1354769954, ClinGen allele CA364679466.

ClinVar aggregate classification (germline): Uncertain significance (1 of 4 stars; one submission).

Allele frequency attached by ClinVar (database versions not stated): gnomAD exomes below 0.00001; TOPMed below 0.00001; gnomAD 0.00001.
gnomAD v4.1: 16 of 1,602,944 alleles (0.001%); highest among the groups gnomAD compares: Non-Finnish European, 0.0013%; no homozygotes.

Submission:

Labcorp Genetics (formerly Invitae), Labcorp
Classification: Uncertain significance. Last evaluated: 2025-04-16. Review status: criteria provided, single submitter. Criteria: Invitae Variant Classification Sherloc (09022015). Collection method: clinical testing. Allele origin: germline.
Comment: This sequence change replaces proline, which is neutral and non-polar, with leucine, which is neutral and non-polar, at codon 465 of the COL9A1 protein (p.Pro465Leu). The frequency data for this variant in the population databases is considered unreliable, as metrics indicate poor data quality at this position in the gnomAD database. This variant has not been reported in the literature in individuals affected with COL9A1-related conditions. ClinVar contains an entry for this variant (Variation ID: 1504063). An algorithm developed to predict the effect of missense changes on protein structure and function (PolyPhen-2) suggests that this variant is likely to be disruptive. In summary, the available evidence is currently insufficient to determine the role of this variant in disease. Therefore, it has been classified as a Variant of Uncertain Significance.